The following is an entry in ClinVar:

NM_001114753.3(ENG):c.1437_1456dup (p.Phe486fs)

Genes: ENG (endoglin; minus strand), LOC102723566 (uncharacterized LOC102723566; plus strand). Cytogenetic location: 9q34.11.
Variant type: Duplication.
Coding change: c.1437_1456dup on transcript NM_001114753.3 (MANE Select); coding-DNA positions 1437 to 1456, 20 bases duplicated (GTCCCCATCCGTCTCCGAGT).
Protein change: p.Phe486fs; shifts the reading frame from phenylalanine 486.
Molecular consequence: frameshift variant. On other transcripts: non-coding transcript variant (1).
Genome position (GRCh38, 1-based): chr9:127,818,350-127,818,369, ACTCGGAGACGGATGGGGAC duplicated on the plus strand (GTCCCCATCCGTCTCCGAGT on the coding strand, the reverse complement: ENG is on the minus strand); duplicating any 20 consecutive bases within chr9:127,818,350-127,818,373 gives the same sequence; the c. name uses the placement nearest the transcript's 3' end. VCF-style (leftmost placement, unchanged base first): chr9-127818349-A-AACTCGGAGACGGATGGGGAC. GRCh37 (hg19) VCF-style: chr9-130580628-A-AACTCGGAGACGGATGGGGAC.
Other names: c.1433_1452dup, p.Phe486Cysfs (NM_000118.4); c.891_910dup, p.Phe304fs (NM_001278138.2); c.1456_1457insGTCCCCATCCGTCTCCGAGT (NM_000118.3); short protein forms F304fs, F486fs.
Identifiers: ClinVar variation 983199 (VCV000983199.3), dbSNP rs1830385549, ClinGen allele CA1139659933.
Genomic context (GRCh38, chr9:127,818,349, plus strand): 5'-AGTTCCACGGTGCCTCCCTCAGGCCCCAAGTCCAGGTGGCAGCTGTCTAACTGGAGCAGG[A>AACTCGGAGACGGATGGGGAC]ACTCGGAGACGGATGGGGACACTCTGACCTGCATGGGTAGGTAGGGCCACGCGGCATGGG-3'

ClinVar aggregate classification (germline): Pathogenic (1 of 4 stars; one submission).

Conditions:
Telangiectasia, hereditary hemorrhagic, type 1 (HHT1). Also called: Osler Weber Rendu syndrome type 1; ENG-Related Hereditary Hemorrhagic Telangiectasia. Identifiers: Orphanet 774, MedGen C4551861, MONDO:0008535, OMIM 187300. Disease mechanism: loss of function.

Submission:

NIHR Bioresource Rare Diseases, University of Cambridge
Classification: Pathogenic for Telangiectasia, hereditary hemorrhagic, type 1. Last evaluated: 2018-01-01. Review status: criteria provided, single submitter. Criteria: ACMG Guidelines, 2015. Collection method: research. Allele origin: unknown. Affected: yes. Observed: 1 variant allele.
Comment: PVS1+PM2+PP4

Literature cited by the submitters: PubMed 32573726.